The following is an entry in ClinVar:

ClinVar aggregate classification (germline): Uncertain significance. Review status: criteria provided, multiple submitters, no conflicts (2 of 4 stars). 2 submissions from 2 submitters: Uncertain significance (2). Last evaluated 2025-04-12.

Conditions:
Inborn genetic diseases. Identifiers: MedGen C0950123, MeSH D030342.

gnomAD v4.1: 13 of 1,612,884 alleles (0.00081%); highest among the groups gnomAD compares: East Asian, 0.0045%; no homozygotes.

Submissions (2):

Ambry Genetics
Classification: Uncertain significance for Inborn genetic diseases. Last evaluated: 2025-04-12. Review status: criteria provided, single submitter. Criteria: Ambry Variant Classification Scheme 2023. Collection method: clinical testing. Allele origin: germline.

Labcorp Genetics (formerly Invitae), Labcorp
Classification: Uncertain significance. Last evaluated: 2021-08-31. Review status: criteria provided, single submitter. Criteria: Invitae Variant Classification Sherloc (09022015). Collection method: clinical testing. Allele origin: germline.
Comment: This sequence change replaces alanine with threonine at codon 905 of the KIAA1549 protein (p.Ala905Thr). The alanine residue is weakly conserved and there is a small physicochemical difference between alanine and threonine. This variant is present in population databases (rs148007950, ExAC 0.04%). This variant has not been reported in the literature in individuals affected with KIAA1549-related conditions. Algorithms developed to predict the effect of missense changes on protein structure and function output the following: SIFT: "Tolerated"; PolyPhen-2: "Benign"; Align-GVGD: "Class C0". The threonine amino acid residue is found in multiple mammalian species, which suggests that this missense change does not adversely affect protein function. In summary, the available evidence is currently insufficient to determine the role of this variant in disease. Therefore, it has been classified as a Variant of Uncertain Significance.

NM_001164665.2(KIAA1549):c.2713G>A (p.Ala905Thr)

Gene: KIAA1549 (KIAA1549; minus strand). Cytogenetic location: 7q34.
Variant type: single nucleotide variant.
Coding change: c.2713G>A on transcript NM_001164665.2 (MANE Select); coding-DNA position 2713, G replaced by A.
Protein change: p.Ala905Thr; replaces alanine 905 with threonine.
Molecular consequence: missense variant.
Genome position (GRCh38, 1-based): chr7:138,916,913, C>T on the plus strand (G>A on the coding strand, the complement: KIAA1549 is on the minus strand). VCF-style: chr7-138916913-C-T. GRCh37 (hg19) VCF-style: chr7-138601659-C-T.
Other names: c.2713G>A, p.Ala905Thr (NM_020910.3); c.2713G>A (NM_001164665.1); short protein forms A905T.
Identifiers: ClinVar variation 1438716 (VCV001438716.4), dbSNP rs148007950, ClinGen allele CA4506439.